The following is an entry in ClinVar:

NM_001184.4(ATR):c.5860G>A (p.Glu1954Lys)

Gene: ATR (ATR checkpoint kinase; minus strand). Cytogenetic location: 3q23.
Variant type: single nucleotide variant.
Coding change: c.5860G>A on transcript NM_001184.4 (MANE Select); coding-DNA position 5860, G replaced by A.
Protein change: p.Glu1954Lys; replaces glutamic acid 1954 with lysine.
Molecular consequence: missense variant.
Genome position (GRCh38, 1-based): chr3:142,496,399, C>T on the plus strand (G>A on the coding strand, the complement: ATR is on the minus strand). VCF-style: chr3-142496399-C-T. GRCh37 (hg19) VCF-style: chr3-142215241-C-T.
Other names: c.5668G>A, p.Glu1890Lys (NM_001354579.2); short protein forms E1890K, E1954K.
Identifiers: ClinVar variation 3221229 (VCV003221229.1), dbSNP rs2473154645, ClinGen allele CA354813191.
Genomic context (GRCh38, chr3:142,496,399, plus strand): 5'-ATGACATTTCCCTGGCCATTACCTTGGACCAGAGCCACTTTGCCCTTTCCACGTACAGTT[C>T]AGCGAGTCGTGATTCCCCTGCATTAAGGAGAGCATTGTAGGCTGTCTGGTGGTGACCAGC-3'
Protein context (NP_001175.2, residues 1944-1964): LLNAGESRLA[Glu1954Lys]LYVERAKWLW

ClinVar aggregate classification (germline): Uncertain significance (1 of 4 stars; one submission).

Conditions:
Inborn genetic diseases. Identifiers: MedGen C0950123, MeSH D030342.

Submission:

Ambry Genetics
Classification: Uncertain significance for Inborn genetic diseases. Last evaluated: 2024-02-06. Review status: criteria provided, single submitter. Criteria: Ambry Variant Classification Scheme 2023. Collection method: clinical testing. Allele origin: germline.
Comment: The p.E1954K variant (also known as c.5860G>A), located in coding exon 34 of the ATR gene, results from a G to A substitution at nucleotide position 5860. The glutamic acid at codon 1954 is replaced by lysine, an amino acid with similar properties. This amino acid position is conserved. In addition, this alteration is predicted to be deleterious by in silico analysis. Based on the available evidence, the clinical significance of this alteration remains unclear.